The following is an entry in ClinVar:

ClinVar aggregate classification (germline): Conflicting classifications of pathogenicity. Review status: criteria provided, conflicting classifications (1 of 4 stars). 4 submissions from 4 submitters: Uncertain significance (1); Likely benign (3). Last evaluated 2026-02-02.

Conditions:
Familial colorectal cancer type X. Identifiers: Orphanet 440437, MedGen C3896578, MONDO:0018604.
Hereditary cancer-predisposing syndrome. Also called: Neoplastic Syndromes, Hereditary; Hereditary neoplastic syndrome; Hereditary Cancer Syndrome; Tumor predisposition. Identifiers: Orphanet 140162, MedGen C0027672, MeSH D009386, MONDO:0015356.
POLD1-related polyposis and colorectal cancer syndrome (CRCS10). Also called: Colorectal cancer, susceptibility to, 10; Colorectal cancer 10; COLORECTAL CANCER, SUSCEPTIBILITY TO, ON CHROMOSOME 19q. Identifiers: Orphanet 220460, MedGen C2675481, MONDO:0012953, OMIM 612591.

Allele frequency attached by ClinVar (database versions not stated): gnomAD 0.00001; gnomAD exomes 0.00004 and 0.00006; ExAC 0.00009; 1000 Genomes Project 30x 0.00016; 1000 Genomes Project 0.00020.
gnomAD v4.1: 59 of 1,603,698 alleles (0.0037%); highest among the groups gnomAD compares: East Asian, 0.13%; no homozygotes.

Submissions (4):

Labcorp Genetics (formerly Invitae), Labcorp
Classification: Likely benign for POLD1-related polyposis and colorectal cancer syndrome. Last evaluated: 2026-02-02. Review status: criteria provided, single submitter. Criteria: Invitae Variant Classification Sherloc (09022015). Collection method: clinical testing. Allele origin: germline.

Department of Pathology and Laboratory Medicine, Sinai Health System
Classification: Uncertain significance for Familial colorectal cancer type X. Last evaluated: 2023-10-02. Review status: criteria provided, single submitter. Criteria: ACMG Guidelines, 2015. Collection method: clinical testing. Allele origin: germline. Affected: yes.

Ambry Genetics
Classification: Likely benign for Hereditary cancer-predisposing syndrome. Last evaluated: 2016-03-11. Review status: criteria provided, single submitter. Criteria: Ambry Variant Classification Scheme 2023. Collection method: clinical testing. Allele origin: germline.

GeneDx
Classification: Likely benign. Last evaluated: 2016-02-08. Review status: criteria provided, single submitter. Criteria: GeneDx Variant Classification (06012015). Collection method: clinical testing. Allele origin: germline. Affected: yes.
Comment: This variant is considered likely benign or benign based on one or more of the following criteria: it is a conservative change, it occurs at a poorly conserved position in the protein, it is predicted to be benign by multiple in silico algorithms, and/or has population frequency not consistent with disease.

NM_002691.4(POLD1):c.2374C>T (p.Leu792=)

Gene: POLD1 (DNA polymerase delta 1, catalytic subunit; plus strand). Cytogenetic location: 19q13.33.
Variant type: single nucleotide variant.
Coding change: c.2374C>T on transcript NM_002691.4 (MANE Select); coding-DNA position 2374, C replaced by T.
Protein change: p.Leu792=; no amino-acid change (leucine 792 retained).
Molecular consequence: synonymous variant. On other transcripts: non-coding transcript variant (1).
Genome position (GRCh38, 1-based): chr19:50,413,865, C>T. VCF-style: chr19-50413865-C-T. GRCh37 (hg19) VCF-style: chr19-50917122-C-T.
Other names: c.2374C>T, p.Leu792= (NM_001256849.1); c.2452C>T, p.Leu818= (NM_001308632.1).
Identifiers: ClinVar variation 383702 (VCV000383702.17), dbSNP rs201050276, ClinGen allele CA9596495.